The following is an entry in ClinVar:

ClinVar aggregate classification (germline): Likely pathogenic (1 of 4 stars; one submission).

Submission:

GeneDx
Classification: Likely pathogenic. Last evaluated: 2017-02-16. Review status: criteria provided, single submitter. Criteria: GeneDx Variant Classification (06012015). Collection method: clinical testing. Allele origin: germline. Affected: yes.
Comment: The Q438X variant has not been published as a pathogenic variant, nor has it been reported as a benign variant to our knowledge. The variant is predicted to cause loss of normal protein function through protein truncation; however, the extent of this effect is uncertain, as only the final 30 amino acids are lost. The variant is not observed in large population cohorts (Lek et al., 2016; 1000 Genomes Consortium et al., 2015; Exome Variant Server). In summary, this variant is likely pathogenic.

NM_006147.4(IRF6):c.1312C>T (p.Gln438Ter)

Gene: IRF6 (interferon regulatory factor 6; minus strand). Cytogenetic location: 1q32.2.
Variant type: single nucleotide variant.
Coding change: c.1312C>T on transcript NM_006147.4 (MANE Select); coding-DNA position 1312, C replaced by T.
Protein change: p.Gln438Ter; replaces glutamine 438 with a stop codon.
Molecular consequence: nonsense.
Genome position (GRCh38, 1-based): chr1:209,788,512, G>A on the plus strand (C>T on the coding strand, the complement: IRF6 is on the minus strand). VCF-style: chr1-209788512-G-A. GRCh37 (hg19) VCF-style: chr1-209961857-G-A.
Other names: c.1027C>T, p.Gln343Ter (NM_001206696.2); short protein forms Q438*, Q343*.
Identifiers: ClinVar variation 418262 (VCV000418262.2), dbSNP rs1064793155, ClinGen allele CA16617046.